The following is an entry in ClinVar:

ClinVar aggregate classification (germline): Uncertain significance. Review status: criteria provided, multiple submitters, no conflicts (2 of 4 stars). 2 submissions from 2 submitters: Uncertain significance (2). Last evaluated 2026-05-14.

Conditions:
Fanconi anemia (FA). Also called: Fanconi's anemia. Identifiers: Orphanet 84, MedGen C0015625, MeSH D005199, MONDO:0019391.
Inborn genetic diseases. Identifiers: MedGen C0950123, MeSH D030342.

Submissions (2):

Ambry Genetics
Classification: Uncertain significance for Inborn genetic diseases. Last evaluated: 2026-05-14. Review status: criteria provided, single submitter. Criteria: Ambry Variant Classification Scheme 2023. Collection method: clinical testing. Allele origin: germline.
Comment: The p.A148V variant (also known as c.443C>T), located in coding exon 4 of the FANCG gene, results from a C to T substitution at nucleotide position 443. The alanine at codon 148 is replaced by valine, an amino acid with similar properties. This amino acid position is conserved. In addition, this alteration is predicted to be tolerated by in silico analysis. Based on the available evidence, the clinical significance of this variant remains unclear.

Labcorp Genetics (formerly Invitae), Labcorp
Classification: Uncertain significance for Fanconi anemia. Last evaluated: 2022-09-22. Review status: criteria provided, single submitter. Criteria: Invitae Variant Classification Sherloc (09022015). Collection method: clinical testing. Allele origin: germline.
Comment: In summary, the available evidence is currently insufficient to determine the role of this variant in disease. Therefore, it has been classified as a Variant of Uncertain Significance. Advanced modeling of protein sequence and biophysical properties (such as structural, functional, and spatial information, amino acid conservation, physicochemical variation, residue mobility, and thermodynamic stability) performed at Invitae indicates that this missense variant is not expected to disrupt FANCG protein function. ClinVar contains an entry for this variant (Variation ID: 1506486). This variant has not been reported in the literature in individuals affected with FANCG-related conditions. This variant is not present in population databases (gnomAD no frequency). This sequence change replaces alanine, which is neutral and non-polar, with valine, which is neutral and non-polar, at codon 148 of the FANCG protein (p.Ala148Val).

NM_004629.2(FANCG):c.443C>T (p.Ala148Val)

Gene: FANCG (FA complementation group G; minus strand). Cytogenetic location: 9p13.3.
Variant type: single nucleotide variant.
Coding change: c.443C>T on transcript NM_004629.2 (MANE Select); coding-DNA position 443, C replaced by T.
Protein change: p.Ala148Val; replaces alanine 148 with valine.
Molecular consequence: missense variant.
Genome position (GRCh38, 1-based): chr9:35,078,208, G>A on the plus strand (C>T on the coding strand, the complement: FANCG is on the minus strand). VCF-style: chr9-35078208-G-A. GRCh37 (hg19) VCF-style: chr9-35078205-G-A.
Other names: c.443C>T (NM_004629.1); short protein forms A148V.
Identifiers: ClinVar variation 1506486 (VCV001506486.9), dbSNP rs1829121038, ClinGen allele CA373314392.
Genomic context (GRCh38, chr9:35,078,208, plus strand): 5'-CCATTCAGGGTCTCTAGTAACAAGGCCAGGTCCCCAAGACGGTCAGCACTCAACCAGAGG[G>A]CAGCCTGCAGGCCAACCAGGCGGTGCAGGGCAGACAGCAGCTCCGGCAGAAGGCAGGAAG-3'
Protein context (NP_004620.1, residues 138-158): ALHRLVGLQA[Ala148Val]LWLSADRLGD